The following is an entry in ClinVar:

NM_014915.3(ANKRD26):c.221A>G (p.Asn74Ser)

Gene: ANKRD26 (ankyrin repeat domain containing 26; minus strand). Cytogenetic location: 10p12.1.
Variant type: single nucleotide variant.
Coding change: c.221A>G on transcript NM_014915.3 (MANE Select); coding-DNA position 221, A replaced by G.
Protein change: p.Asn74Ser; replaces asparagine 74 with serine.
Molecular consequence: missense variant.
Genome position (GRCh38, 1-based): chr10:27,100,106, T>C on the plus strand (A>G on the coding strand, the complement: ANKRD26 is on the minus strand). VCF-style: chr10-27100106-T-C. GRCh37 (hg19) VCF-style: chr10-27389035-T-C.
Other names: c.221A>G, p.Asn74Ser (NM_001256053.2); short protein forms N74S.
Identifiers: ClinVar variation 3913295 (VCV003913295.1).

ClinVar aggregate classification (germline): Uncertain significance (1 of 4 stars; one submission).

Conditions:
Inborn genetic diseases. Identifiers: MedGen C0950123, MeSH D030342.

gnomAD v4.1: 1 of 1,614,102 alleles (0.000062%); highest among the groups gnomAD compares: Non-Finnish European, 0.000085%; no homozygotes.

Submission:

Ambry Genetics
Classification: Uncertain significance for Inborn genetic diseases. Last evaluated: 2025-03-27. Review status: criteria provided, single submitter. Criteria: Ambry Variant Classification Scheme 2023. Collection method: clinical testing. Allele origin: germline.
Comment: The p.N74S variant (also known as c.221A>G), located in coding exon 1 of the ANKRD26 gene, results from an A to G substitution at nucleotide position 221. The asparagine at codon 74 is replaced by serine, an amino acid with highly similar properties. This amino acid position is conserved. In addition, this alteration is predicted to be tolerated by in silico analysis. Based on the available evidence, the clinical significance of this variant remains unclear.